The following is an entry in ClinVar:

ClinVar aggregate classification (germline): Uncertain significance (1 of 4 stars; one submission).

Conditions:
Multiple endocrine neoplasia, type 2 (MEN2). Identifiers: Orphanet 653, MedGen C4048306, MONDO:0019003. Disease mechanism: gain of function.

Submission:

Labcorp Genetics (formerly Invitae), Labcorp
Classification: Uncertain significance for Multiple endocrine neoplasia, type 2. Last evaluated: 2023-02-14. Review status: criteria provided, single submitter. Criteria: Invitae Variant Classification Sherloc (09022015). Collection method: clinical testing. Allele origin: germline.
Comment: In summary, the available evidence is currently insufficient to determine the role of this variant in disease. Therefore, it has been classified as a Variant of Uncertain Significance. Algorithms developed to predict the effect of missense changes on protein structure and function are either unavailable or do not agree on the potential impact of this missense change (SIFT: "Deleterious"; PolyPhen-2: "Possibly Damaging"; Align-GVGD: "Class C0"). This variant has not been reported in the literature in individuals affected with RET-related conditions. This variant is not present in population databases (gnomAD no frequency). This sequence change replaces valine, which is neutral and non-polar, with glycine, which is neutral and non-polar, at codon 245 of the RET protein (p.Val245Gly).

NM_020975.6(RET):c.734T>G (p.Val245Gly)

Gene: RET (ret proto-oncogene; plus strand). Cytogenetic location: 10q11.21.
Variant type: single nucleotide variant.
Coding change: c.734T>G on transcript NM_020975.6 (MANE Select); coding-DNA position 734, T replaced by G.
Protein change: p.Val245Gly; replaces valine 245 with glycine.
Molecular consequence: missense variant. On other transcripts: 5 prime UTR variant (1), intron variant (22).
Genome position (GRCh38, 1-based): chr10:43,105,060, T>G. VCF-style: chr10-43105060-T-G. GRCh37 (hg19) VCF-style: chr10-43600508-T-G.
Other names: c.734T>G, p.Val245Gly (NM_000323.2, NM_001406743.1, NM_001406744.1 and 8 more transcripts); c.-29T>G (NM_001355216.2); c.605T>G, p.Val202Gly (NM_001406761.1, NM_001406762.1, NM_001406764.1 and 2 more transcripts); c.446T>G, p.Val149Gly (NM_001406766.1, NM_001406767.1, NM_001406770.1); c.625+2431T>G (NM_001406773.1, NM_001406771.1, NM_001406782.1 and 5 more transcripts); c.496+2431T>G (NM_001406786.1, NM_001406783.1); c.338-3971T>G (NM_001406778.1, NM_001406775.1, NM_001406776.1 and 1 more transcripts); c.337+4338T>G (NM_001406790.1, NM_001406788.1, NM_001406789.1 and 1 more transcripts); and 2 more; short protein forms V202G, V245G, V149G.
Identifiers: ClinVar variation 2779235 (VCV002779235.3), dbSNP rs2132705500, ClinGen allele CA376544798.